The following is an entry in ClinVar:

NM_030665.4(RAI1):c.5413C>T (p.His1805Tyr)

Gene: RAI1 (retinoic acid induced 1; plus strand). Cytogenetic location: 17p11.2.
Variant type: single nucleotide variant.
Coding change: c.5413C>T on transcript NM_030665.4 (MANE Select); coding-DNA position 5413, C replaced by T.
Protein change: p.His1805Tyr; replaces histidine 1805 with tyrosine.
Molecular consequence: missense variant.
Genome position (GRCh38, 1-based): chr17:17,798,361, C>T. VCF-style: chr17-17798361-C-T. GRCh37 (hg19) VCF-style: chr17-17701675-C-T.
Other names: short protein forms H1805Y.
Identifiers: ClinVar variation 3644501 (VCV003644501.2).

ClinVar aggregate classification (germline): Uncertain significance (1 of 4 stars; one submission).

Submission:

Labcorp Genetics (formerly Invitae), Labcorp
Classification: Uncertain significance. Last evaluated: 2024-05-28. Review status: criteria provided, single submitter. Criteria: Invitae Variant Classification Sherloc (09022015). Collection method: clinical testing. Allele origin: germline.
Comment: This sequence change replaces histidine, which is basic and polar, with tyrosine, which is neutral and polar, at codon 1805 of the RAI1 protein (p.His1805Tyr). This variant is not present in population databases (gnomAD no frequency). This variant has not been reported in the literature in individuals affected with RAI1-related conditions. Advanced modeling of protein sequence and biophysical properties (such as structural, functional, and spatial information, amino acid conservation, physicochemical variation, residue mobility, and thermodynamic stability) performed at Invitae indicates that this missense variant is not expected to disrupt RAI1 protein function with a negative predictive value of 80%. In summary, the available evidence is currently insufficient to determine the role of this variant in disease. Therefore, it has been classified as a Variant of Uncertain Significance.